The following is an entry in ClinVar:

NM_002609.4(PDGFRB):c.1950G>A (p.Ser650=)

Gene: PDGFRB (platelet derived growth factor receptor beta; minus strand). Cytogenetic location: 5q32.
Variant type: single nucleotide variant.
Coding change: c.1950G>A on transcript NM_002609.4 (MANE Select); coding-DNA position 1950, G replaced by A.
Protein change: p.Ser650=; no amino-acid change (serine 650 retained).
Molecular consequence: synonymous variant.
Genome position (GRCh38, 1-based): chr5:150,124,323, C>T on the plus strand (G>A on the coding strand, the complement: PDGFRB is on the minus strand). VCF-style: chr5-150124323-C-T. GRCh37 (hg19) VCF-style: chr5-149503886-C-T.
Other names: c.1758G>A, p.Ser586= (NM_001355016.2); c.1467G>A, p.Ser489= (NM_001355017.2).
Identifiers: ClinVar variation 2655906 (VCV002655906.27), dbSNP rs370147161, ClinGen allele CA3507801.
Genomic context (GRCh38, chr5:150,124,323, plus strand): 5'-GGCCCCCAACAGGTTGACCACGTTCAGGTGGGGCCCAAGGTGACTCATGATCTTCAGCTC[C>T]GACATAAGGGCTTGCTTCTCACTGCTGCGGGCTGTGGCTGAGGAAAATGGGGGCCCCAGG-3'
Protein context (NP_002600.1, residues 640-660): ARSSEKQALM[Ser650=]ELKIMSHLGP

ClinVar aggregate classification (germline): Likely benign. Review status: criteria provided, multiple submitters, no conflicts (2 of 4 stars). 3 submissions from 3 submitters: Likely benign (3). Last evaluated 2025-01-22.

Conditions:
Acroosteolysis-keloid-like lesions-premature aging syndrome. Also called: Premature aging syndrome, Penttinen type; Prematurely aged appearance, delayed bone maturation, acro-osteolysis, and brachydactyly; Progeroid syndrome, Penttinen type. Identifiers: Orphanet 363665, MedGen C1866182, MONDO:0011150, OMIM 601812.
Skeletal overgrowth-craniofacial dysmorphism-hyperelastic skin-white matter lesions syndrome. Also called: SKELETAL OVERGROWTH WITH FACIAL DYSMORPHISM, HYPERELASTIC SKIN, WHITE MATTER LESIONS, AND NEUROLOGIC DETERIORATION; Kosaki overgrowth syndrome. Identifiers: Orphanet 477831, MedGen C4225270, MONDO:0014704, OMIM 616592.
Infantile myofibromatosis (IMF). Also called: Congenital generalized fibromatosis. Identifiers: Orphanet 2591, MedGen C0432284, MONDO:0016824.
Basal ganglia calcification, idiopathic, 4 (PFBC4). Also called: Familial Idiopathic Basal Ganglia Calcification 4; PRIMARY FAMILIAL BRAIN CALCIFICATION 4, AUTOSOMAL DOMINANT. Identifiers: Orphanet 1980, MedGen C3554321, MONDO:0014004, OMIM 615007.

Allele frequency attached by ClinVar (database versions not stated): TOPMed 0.00003; gnomAD exomes 0.00004; ExAC 0.00005; ESP Exome Variant Server 0.00008; gnomAD 0.00002.
gnomAD v4.1: 64 of 1,614,004 alleles (0.004%); highest among the groups gnomAD compares: Middle Eastern, 0.099%; 1 homozygote.

Submissions (3):

Labcorp Genetics (formerly Invitae), Labcorp
Classification: Likely benign for Basal ganglia calcification, idiopathic, 4; Skeletal overgrowth-craniofacial dysmorphism-hyperelastic skin-white matter lesions syndrome; Infantile myofibromatosis; Acroosteolysis-keloid-like lesions-premature aging syndrome. Last evaluated: 2025-01-22. Review status: criteria provided, single submitter. Criteria: Invitae Variant Classification Sherloc (09022015). Collection method: clinical testing. Allele origin: germline.

Blueprint Genetics
Classification: Likely benign. Last evaluated: 2024-09-25. Review status: criteria provided, single submitter. Criteria: ACMG Guidelines, 2015. Collection method: clinical testing. Allele origin: germline.

CeGaT Center for Human Genetics Tuebingen
Classification: Likely benign. Last evaluated: 2022-03-01. Review status: criteria provided, single submitter. Criteria: CeGaT Center For Human Genetics Tuebingen Variant Classification Criteria Version 2. Collection method: clinical testing. Allele origin: germline. Affected: yes. Observed: 1 variant allele.
Comment: PDGFRB: BP4, BP7